The following is an entry in ClinVar:

ClinVar aggregate classification (germline): Uncertain significance (1 of 4 stars; one submission).

Submission:

Labcorp Genetics (formerly Invitae), Labcorp
Classification: Uncertain significance. Last evaluated: 2024-08-13. Review status: criteria provided, single submitter. Criteria: Invitae Variant Classification Sherloc (09022015). Collection method: clinical testing. Allele origin: germline.
Comment: This sequence change replaces phenylalanine, which is neutral and non-polar, with serine, which is neutral and polar, at codon 863 of the DNA2 protein (p.Phe863Ser). This variant is not present in population databases (gnomAD no frequency). This variant has not been reported in the literature in individuals affected with DNA2-related conditions. Invitae Evidence Modeling of protein sequence and biophysical properties (such as structural, functional, and spatial information, amino acid conservation, physicochemical variation, residue mobility, and thermodynamic stability) indicates that this missense variant is not expected to disrupt DNA2 protein function with a negative predictive value of 80%. In summary, the available evidence is currently insufficient to determine the role of this variant in disease. Therefore, it has been classified as a Variant of Uncertain Significance.

NM_001080449.3(DNA2):c.2588T>C (p.Phe863Ser)

Gene: DNA2 (DNA replication helicase/nuclease 2; minus strand). Cytogenetic location: 10q21.3.
Variant type: single nucleotide variant.
Coding change: c.2588T>C on transcript NM_001080449.3 (MANE Select); coding-DNA position 2588, T replaced by C.
Protein change: p.Phe863Ser; replaces phenylalanine 863 with serine.
Molecular consequence: missense variant. On other transcripts: non-coding transcript variant (1).
Genome position (GRCh38, 1-based): chr10:68,422,334, A>G on the plus strand (T>C on the coding strand, the complement: DNA2 is on the minus strand). VCF-style: chr10-68422334-A-G. GRCh37 (hg19) VCF-style: chr10-70182091-A-G.
Other names: short protein forms F863S.
Identifiers: ClinVar variation 3662263 (VCV003662263.2).